The following is an entry in ClinVar:

ClinVar aggregate classification (germline): Uncertain significance (1 of 4 stars; one submission).

Conditions:
Primary ciliary dyskinesia. Also called: Ciliary dyskinesia. Identifiers: Orphanet 244, MedGen C0008780, MONDO:0016575, HP:0012265.

Submission:

Labcorp Genetics (formerly Invitae), Labcorp
Classification: Uncertain significance for Primary ciliary dyskinesia. Last evaluated: 2025-06-02. Review status: criteria provided, single submitter. Criteria: Invitae Variant Classification Sherloc (09022015). Collection method: clinical testing. Allele origin: germline.
Comment: This variant, c.2721_2951del, results in the deletion of 77 amino acid(s) of the RPGR (ORF15) protein (p.Gly908_Glu984del), but otherwise preserves the integrity of the reading frame. The frequency data for this variant in the population databases is considered unreliable, as metrics indicate insufficient coverage at this position in the gnomAD database. This variant has not been reported in the literature in individuals affected with RPGR (ORF15)-related conditions. Experimental studies and prediction algorithms are not available or were not evaluated, and the functional significance of this variant is currently unknown. In summary, the available evidence is currently insufficient to determine the role of this variant in disease. Therefore, it has been classified as a Variant of Uncertain Significance.

NM_001034853.2(RPGR):c.2721_2951del (p.Gly908_Glu984del)

Gene: RPGR (retinitis pigmentosa GTPase regulator; minus strand). Cytogenetic location: Xp11.4.
Variant type: Deletion.
Coding change: c.2721_2951del on transcript NM_001034853.2 (MANE Select); coding-DNA positions 2721 to 2951, 231 bases deleted.
Protein change: p.Gly908_Glu984del.
Molecular consequence: inframe deletion. On other transcripts: intron variant (8).
Genome position (GRCh38, 1-based): chrX:38,286,048-38,286,278, 231 bases deleted. GRCh37 (hg19): chrX:38,145,309-38,145,539.
Other names: c.1569+4681_1569+4911del (NM_001367249.1, NM_001367250.1); c.1902+816_1902+1046del (NM_001367245.1); c.1386+4681_1386+4911del (NM_001367251.1); c.1719+816_1719+1046del (NM_001367246.1); c.1572+4681_1572+4911del (NM_001367247.1); c.1905+816_1905+1046del (NM_000328.3); c.1602+4681_1602+4911del (NM_001367248.1).
Identifiers: ClinVar variation 4720622 (VCV004720622.1).